The following is an entry in ClinVar:

NM_001267550.2(TTN):c.51809G>T (p.Ser17270Ile)

Genes: TTN (titin; minus strand), TTN-AS1 (TTN antisense RNA 1; plus strand). Cytogenetic location: 2q31.2.
Variant type: single nucleotide variant.
Coding change: c.51809G>T on transcript NM_001267550.2 (MANE Select); coding-DNA position 51809, G replaced by T.
Protein change: p.Ser17270Ile; replaces serine 17270 with isoleucine.
Molecular consequence: missense variant.
Genome position (GRCh38, 1-based): chr2:178,609,501, C>A on the plus strand (G>T on the coding strand, the complement: TTN is on the minus strand). VCF-style: chr2-178609501-C-A. GRCh37 (hg19) VCF-style: chr2-179474228-C-A.
Other names: p.S15629I:AGT>ATT; c.46886G>T, p.Ser15629Ile (NM_001256850.1); c.44105G>T, p.Ser14702Ile (NM_133378.4); c.24614G>T, p.Ser8205Ile (NM_003319.4); c.24989G>T, p.Ser8330Ile (NM_133432.3); c.25190G>T, p.Ser8397Ile (NM_133437.4); short protein forms S17270I, S14702I, S15629I, S8205I, S8397I, S8330I.
Identifiers: ClinVar variation 47057 (VCV000047057.70), dbSNP rs200650668, ClinGen allele CA139879.

ClinVar aggregate classification (germline): Conflicting classifications of pathogenicity. Review status: criteria provided, conflicting classifications (1 of 4 stars). 23 submissions from 19 submitters: Uncertain significance (7); Benign (3); Likely benign (8). 5 of the submissions do not count toward it. Last evaluated 2026-08-01.

Conditions:
TTN-related disorder. Also called: TTN-related disorders; TTN-related condition; TTN-related disease.
Cardiovascular phenotype. Identifiers: MedGen CN230736.
Autosomal recessive limb-girdle muscular dystrophy type 2J (LGMDR10). Also called: MUSCULAR DYSTROPHY, LIMB-GIRDLE, AUTOSOMAL RECESSIVE 10; Limb-girdle muscular dystrophy, type 2J. Identifiers: Orphanet 140922, MedGen C1837342, MONDO:0012127, OMIM 608807.
Dilated cardiomyopathy 1G (CMD1G). Identifiers: Orphanet 154, MedGen C1858763, MONDO:0011400, OMIM 604145.
Cardiomyopathy (CMYO). Also called: Cardiomyopathies. Identifiers: Orphanet 167848, MedGen C0878544, MONDO:0004994, HP:0001638. Inheritance: Various modes of inheritance.
Early-onset myopathy with fatal cardiomyopathy (CMYO5). Also called: CONGENITAL MYOPATHY 5 WITH CARDIOMYOPATHY; Salih Myopathy. Identifiers: Orphanet 289377, MedGen C2673677, MONDO:0012714, OMIM 611705. Disease mechanism: loss of function.
Myopathy, myofibrillar, 9, with early respiratory failure (MFM9). Also called: Myopathy, distal, with early respiratory failure, autosomal dominant; Hereditary myopathy with early respiratory failure; EDSTROM MYOPATHY; MYOPATHY, PROXIMAL, WITH EARLY RESPIRATORY MUSCLE INVOLVEMENT. Identifiers: Orphanet 178464, Orphanet 34521, MedGen C1863599, MONDO:0011362, OMIM 603689.
Tibial muscular dystrophy (TMD). Also called: Tibial muscular dystrophy, tardive; Udd Distal Myopathy – Tibial Muscular Dystrophy; UDD MYOPATHY. Identifiers: Orphanet 609, MedGen C1838244, MONDO:0010870, OMIM 600334.

Allele frequency attached by ClinVar (database versions not stated): gnomAD exomes 0.00042 and 0.00086; gnomAD 0.00046 and 0.00049; ExAC 0.00048; TOPMed 0.00046; ESP Exome Variant Server 0.00075.
gnomAD v4.1: 1,305 of 1,612,560 alleles (0.081%); highest among the groups gnomAD compares: Non-Finnish European, 0.11%; 4 homozygotes.

Submissions 1 to 15 of 23:

CeGaT Center for Human Genetics Tuebingen
Classification: Likely benign. Last evaluated: 2026-08-01. Review status: criteria provided, single submitter. Criteria: CeGaT Center For Human Genetics Tuebingen Variant Classification Criteria Version 2. Collection method: clinical testing. Allele origin: germline. Affected: yes. Observed: 5 variant alleles.
Comment: TTN: BP4

PreventionGenetics, part of Exact Sciences
Classification: Likely benign for TTN-related condition. Last evaluated: 2025-04-23. Review status: criteria provided, single submitter. Criteria: ACMG Guidelines, 2015. Collection method: clinical testing. Allele origin: germline.
Comment: This variant is classified as likely benign based on ACMG/AMP sequence variant interpretation guidelines (Richards et al. 2015 PMID: 25741868, with internal and published modifications).

Molecular Diagnostic Laboratory for Inherited Cardiovascular Disease, Montreal Heart Institute
Classification: Likely benign. Last evaluated: 2025-04-09. Review status: criteria provided, single submitter. Criteria: ACMG Guidelines, 2015. Collection method: clinical testing. Allele origin: germline. Affected: no.

Blueprint Genetics
Classification: Likely benign. Last evaluated: 2024-09-05. Review status: criteria provided, single submitter. Criteria: ACMG Guidelines, 2015. Collection method: clinical testing. Allele origin: germline.

Mayo Clinic Laboratories, Mayo Clinic
Classification: Uncertain significance. Last evaluated: 2023-07-25. Review status: criteria provided, single submitter. Criteria: ACMG Guidelines, 2015. Collection method: clinical testing. Allele origin: germline. Observed: 5 variant alleles.
Comment: BP4

CHEO Genetics Diagnostic Laboratory, Children's Hospital of Eastern Ontario
Classification: Likely benign for Cardiomyopathy. Last evaluated: 2023-05-16. Review status: criteria provided, single submitter. Criteria: ACMG Guidelines, 2015. Collection method: clinical testing. Allele origin: germline.

Women's Health and Genetics/Laboratory Corporation of America, LabCorp
Classification: Benign. Last evaluated: 2021-06-01. Review status: criteria provided, single submitter. Criteria: LabCorp Variant Classification Summary - May 2015. Collection method: clinical testing. Allele origin: germline.
Comment: Variant summary: TTN c.44105G>T (p.Ser14702Ile) results in a non-conservative amino acid change located in the A-band region of the encoded protein sequence. Four of five in-silico tools predict a benign effect of the variant on protein function. The variant allele was found at a frequency of 0.00042 in 247482 control chromosomes, including one homozygote (gnomAD). The variant was observed predominantly within the Non-Finnish European subpopulation at a frequency of 0.00086. The observed variant frequency within Non-Finnish European control individuals in the gnomAD database is approximately 2.2 fold of the estimated maximal expected allele frequency for a pathogenic variant in TTN causing Dilated Cardiomyopathy phenotype (0.00039), strongly suggesting that the variant is a benign polymorphism. c.44105G>T has been reported in the literature in an individual affected with Dilated Cardiomyopathy (Franaszczyk_2017), however it was also reported in two individuals without a cardiac phenotype (Khan_2019). To our knowledge, no experimental evidence demonstrating an impact on protein function has been reported. Eight clinical diagnostic laboratories have submitted clinical-significance assessments for this variant to ClinVar after 2014 without evidence for independent evaluation. Multiple laboratories reported the variant with conflicting assessments, i.e. 5 calling it a VUS, while 3 classifying it as likely benign. Based on the evidence outlined above, the variant was classified as benign.

GeneDx
Classification: Likely benign. Last evaluated: 2020-10-16. Review status: criteria provided, single submitter. Criteria: GeneDx Variant Classification Process June 2021. Collection method: clinical testing. Allele origin: germline. Affected: yes.
Comment: This variant is associated with the following publications: (PMID: 28045975)

Ambry Genetics
Classification: Likely benign for Cardiovascular phenotype. Last evaluated: 2020-01-30. Review status: criteria provided, single submitter. Criteria: Ambry Autosomal Dominant and X-Linked criteria (3/2017). Collection method: clinical testing. Allele origin: germline. Observed: 1 variant allele.
Comment: In silico models in agreement (benign);Subpopulation frequency in support of benign classification

ARUP Laboratories, Molecular Genetics and Genomics, ARUP Laboratories
Classification: Uncertain significance. Last evaluated: 2019-08-19. Review status: criteria provided, single submitter. Criteria: ARUP Molecular Germline Variant Investigation Process. Collection method: clinical testing. Allele origin: germline.
Comment: The TTN c.51809G>T; p.Ser17270Ile variant (rs200650668; ClinVar Variation ID: 47057) is rare in the general population (<1% allele frequency in the Genome Aggregation Database) and has not been reported in the medical literature in association with dilated cardiomyopathy (DCM) or other TTN-related disease. The clinical relevance of rare missense variants in this gene, which are identified on average once per individual sequenced in affected populations (Herman 2012), is not well understood. Yet, evidence suggests that the vast majority of such missense variants do not contribute to the clinical outcome of DCM (Begay 2015). Thus, the clinical significance of the p.Ser17270Ile variant cannot be determined with certainty. References: Begay RL et al. Role of Titin Missense Variants in Dilated Cardiomyopathy. J Am Heart Assoc. 2015 Nov 13;4(11). Herman DS et al. Truncations of titin causing dilated cardiomyopathy. N Engl J Med. 2012 Feb 16;366(7):619-28. Linke and Hamdani. Gigantic business: titin properties and function through thick and thin. Circ Res 2014; 114(6): 1052-1068.

Eurofins Ntd Llc (ga)
Classification: Uncertain significance. Last evaluated: 2018-06-01. Review status: criteria provided, single submitter. Criteria: EGL ClinVar v180209 classification definitions. Collection method: clinical testing. Allele origin: germline. Observed: 9 variant alleles, 9 heterozygotes.

Illumina Laboratory Services, Illumina
Classification: Uncertain significance for Autosomal recessive limb-girdle muscular dystrophy type 2J. Last evaluated: 2018-01-12. Review status: criteria provided, single submitter. Criteria: ICSL Variant Classification Criteria 13 December 2019. Collection method: clinical testing. Allele origin: germline.

Illumina Laboratory Services, Illumina
Classification: Benign for Tibial muscular dystrophy. Last evaluated: 2018-01-12. Review status: criteria provided, single submitter. Criteria: ICSL Variant Classification Criteria 13 December 2019. Collection method: clinical testing. Allele origin: germline.
Comment: This variant was observed in the ICSL laboratory as part of a predisposition screen in an ostensibly healthy population. It had not been previously curated by ICSL or reported in the Human Gene Mutation Database (HGMD: prior to June 1st, 2018), and was therefore a candidate for classification through an automated scoring system. Utilizing variant allele frequency, disease prevalence and penetrance estimates, and inheritance mode, an automated score was calculated to assess if this variant is too frequent to cause the disease. Based on the score and internal cut-off values, a variant classified as benign is not then subjected to further curation. The score for this variant resulted in a classification of benign for this disease.

Illumina Laboratory Services, Illumina
Classification: Benign for Myopathy, myofibrillar, 9, with early respiratory failure. Last evaluated: 2018-01-12. Review status: criteria provided, single submitter. Criteria: ICSL Variant Classification Criteria 13 December 2019. Collection method: clinical testing. Allele origin: germline.
Comment: the same text as in the submission from Illumina Laboratory Services, Illumina above.

Illumina Laboratory Services, Illumina
Classification: Uncertain significance for Dilated cardiomyopathy 1G. Last evaluated: 2018-01-12. Review status: criteria provided, single submitter. Criteria: ICSL Variant Classification Criteria 13 December 2019. Collection method: clinical testing. Allele origin: germline.